The following is an entry in ClinVar:

ClinVar aggregate classification (germline): Likely benign (1 of 4 stars; one submission).

gnomAD v4.1: 259 of 1,599,556 alleles (0.016%); highest among the groups gnomAD compares: South Asian, 0.2%; 4 homozygotes.

Submission:

CeGaT Center for Human Genetics Tuebingen
Classification: Likely benign. Last evaluated: 2026-01-01. Review status: criteria provided, single submitter. Criteria: CeGaT Center For Human Genetics Tuebingen Variant Classification Criteria Version 2. Collection method: clinical testing. Allele origin: germline. Affected: yes. Observed: 1 variant allele.
Comment: GABRA5: BP4, BP7

NM_000810.4(GABRA5):c.1020G>T (p.Thr340=)

Gene: GABRA5 (gamma-aminobutyric acid type A receptor subunit alpha5; plus strand). Cytogenetic location: 15q12.
Variant type: single nucleotide variant.
Coding change: c.1020G>T on transcript NM_000810.4 (MANE Select); coding-DNA position 1020, G replaced by T.
Protein change: p.Thr340=; no amino-acid change (threonine 340 retained).
Molecular consequence: synonymous variant.
Genome position (GRCh38, 1-based): chr15:26,943,357, G>T. VCF-style: chr15-26943357-G-T. GRCh37 (hg19) VCF-style: chr15-27188504-G-T.
Other names: c.1020G>T, p.Thr340= (NM_001165037.2).
Identifiers: ClinVar variation 4821696 (VCV004821696.4).